The following is an entry in ClinVar:

ClinVar aggregate classification (germline): Uncertain significance. Review status: criteria provided, multiple submitters, no conflicts (2 of 4 stars). 2 submissions from 2 submitters: Uncertain significance (2). Last evaluated 2022-03-28.

Conditions:
Lethal osteosclerotic bone dysplasia (RNS). Also called: Osteomalacia, sclerosing, with cerebral calcification. Identifiers: Orphanet 1832, MedGen C1850106, MONDO:0009821, OMIM 259775.

Submissions (2):

Labcorp Genetics (formerly Invitae), Labcorp
Classification: Uncertain significance. Last evaluated: 2022-03-28. Review status: criteria provided, single submitter. Criteria: Invitae Variant Classification Sherloc (09022015). Collection method: clinical testing. Allele origin: germline.
Comment: This variant, c.347_355dup, results in the insertion of 3 amino acid(s) of the FAM20C protein (p.Pro116_Glu118dup), but otherwise preserves the integrity of the reading frame. This variant is present in population databases (no rsID available, gnomAD 0.03%). This variant has not been reported in the literature in individuals affected with FAM20C-related conditions. In summary, the available evidence is currently insufficient to determine the role of this variant in disease. Therefore, it has been classified as a Variant of Uncertain Significance.

Juno Genomics, Hangzhou Juno Genomics, Inc
Classification: Uncertain significance for Lethal osteosclerotic bone dysplasia. Review status: criteria provided, single submitter. Criteria: ACMG Guidelines, 2015. Collection method: clinical testing. Allele origin: germline.
Comment: Absent from controls (or at extremely low frequency if recessive) in Genome Aggregation Database.;Protein length changes due to in-frame deletions/insertions in a non-repeat region or stop-loss variants.

NM_020223.4(FAM20C):c.338CGGCCGAGC[3] (p.Glu118_Arg119insProAlaGlu)

Gene: FAM20C (FAM20C golgi associated secretory pathway kinase; plus strand). Cytogenetic location: 7p22.3.
Variant type: Microsatellite.
Coding change: c.338CGGCCGAGC[3] on transcript NM_020223.4 (MANE Select); three copies in a row of the 9-base unit CGGCCGAGC starting at c.338; the reference has two copies in a row; one copy, 9 bases duplicated; also written c.347_355dup.
Protein change: p.Glu118_Arg119insProAlaGlu.
Molecular consequence: inframe insertion.
Genome position (GRCh38, 1-based): chr7:193,546-193,554, CGGCCGAGC duplicated; duplicating any 9 consecutive bases within chr7:193,537-193,554 gives the same sequence; the position shown is the placement nearest the transcript's 3' end. VCF-style (leftmost placement, unchanged base first): chr7-193536-G-GCGGCCGAGC. GRCh37 (hg19) VCF-style: chr7-193536-G-GCGGCCGAGC.
Other names: c.347_355dup (NM_020223.4).
Identifiers: ClinVar variation 1917701 (VCV001917701.4), dbSNP rs1443800636, ClinGen allele CA572353067.